The following is an entry in ClinVar:

ClinVar aggregate classification (germline): Uncertain significance (1 of 4 stars; one submission).

Conditions:
Methylmalonic aciduria, cblA type (MACA). Also called: Vitamin B12-responsive methylmalonic acidemia type cblA; Methylmalonic aciduria, vitamin b12-responsive, due to defect in synthesis of adenosylcobalamin, cbla complementation type; MMA cbl A type; Methylmalonic acidemia cblA type; Methylmalonic aciduria, vitamin B12-responsive. Identifiers: Orphanet 28, Orphanet 79310, MedGen C1855109, MONDO:0009613, OMIM 251100.

Allele frequency attached by ClinVar (database versions not stated): gnomAD exomes below 0.00001; ExAC 0.00001; gnomAD 0.00001; TOPMed 0.00001.
gnomAD v4.1: 8 of 1,614,096 alleles (0.0005%); highest among the groups gnomAD compares: Admixed American, 0.0067%; no homozygotes.

Submission:

Labcorp Genetics (formerly Invitae), Labcorp
Classification: Uncertain significance for Methylmalonic aciduria, cblA type. Last evaluated: 2022-04-26. Review status: criteria provided, single submitter. Criteria: Invitae Variant Classification Sherloc (09022015). Collection method: clinical testing. Allele origin: germline.
Comment: This sequence change replaces lysine, which is basic and polar, with glutamine, which is neutral and polar, at codon 116 of the MMAA protein (p.Lys116Gln). This variant is present in population databases (rs759642126, gnomAD 0.003%). This variant has not been reported in the literature in individuals affected with MMAA-related conditions. Advanced modeling of protein sequence and biophysical properties (such as structural, functional, and spatial information, amino acid conservation, physicochemical variation, residue mobility, and thermodynamic stability) performed at Invitae indicates that this missense variant is not expected to disrupt MMAA protein function. In summary, the available evidence is currently insufficient to determine the role of this variant in disease. Therefore, it has been classified as a Variant of Uncertain Significance.

NM_172250.3(MMAA):c.346A>C (p.Lys116Gln)

Gene: MMAA (metabolism of cobalamin associated A; plus strand). Cytogenetic location: 4q31.21.
Variant type: single nucleotide variant.
Coding change: c.346A>C on transcript NM_172250.3 (MANE Select); coding-DNA position 346, A replaced by C.
Protein change: p.Lys116Gln; replaces lysine 116 with glutamine.
Molecular consequence: missense variant.
Genome position (GRCh38, 1-based): chr4:145,639,485, A>C. VCF-style: chr4-145639485-A-C. GRCh37 (hg19) VCF-style: chr4-146560637-A-C.
Other names: c.346A>C, p.Lys116Gln (NM_001375644.1); short protein forms K116Q.
Identifiers: ClinVar variation 1981906 (VCV001981906.1), dbSNP rs759642126, ClinGen allele CA3095156.